The following is an entry in ClinVar:

ClinVar aggregate classification (germline): Uncertain significance (1 of 4 stars; one submission).

Conditions:
ZSWIM6-related disorder. Also called: ZSWIM6-related condition.

Submission:

PreventionGenetics, part of Exact Sciences
Classification: Uncertain significance for ZSWIM6-related condition. Last evaluated: 2025-10-03. Review status: criteria provided, single submitter. Criteria: ACMG Guidelines, 2015. Collection method: clinical testing. Allele origin: germline.
Comment: The ZSWIM6 c.717A>T variant is predicted to result in the amino acid substitution p.Gln239His. To our knowledge, this variant has not been reported in the literature or in a large population database (gnomAD), indicating this variant is rare. At this time, the clinical significance of this variant is uncertain due to the absence of conclusive functional and genetic evidence.

NM_020928.2(ZSWIM6):c.717A>T (p.Gln239His)

Gene: ZSWIM6 (zinc finger SWIM-type containing 6; plus strand). Cytogenetic location: 5q12.1.
Variant type: single nucleotide variant.
Coding change: c.717A>T on transcript NM_020928.2 (MANE Select); coding-DNA position 717, A replaced by T.
Protein change: p.Gln239His; replaces glutamine 239 with histidine.
Molecular consequence: missense variant.
Genome position (GRCh38, 1-based): chr5:61,472,721, A>T. VCF-style: chr5-61472721-A-T. GRCh37 (hg19) VCF-style: chr5-60768548-A-T.
Other names: short protein forms Q239H.
Identifiers: ClinVar variation 4995863 (VCV004995863.1).
Genomic context (GRCh38, chr5:61,472,721, plus strand): 5'-TTCTTTCTTTCACCCTCAAGGTTTCCACTTGAGCGGCACAGTGACAGAACCTGCAATACA[A>T]TCGGAGCCAGAAACTGTTTGCAACGTGGCCATCAGCTTTGATCGTTGCAAGATTACCTCA-3'
Protein context (NP_065979.1, residues 229-249): LSGTVTEPAI[Gln239His]SEPETVCNVA